The following is an entry in ClinVar:

NM_004364.5(CEBPA):c.168C>G (p.Cys56Trp)

Gene: CEBPA (CCAAT enhancer binding protein alpha; minus strand). Cytogenetic location: 19q13.11.
Variant type: single nucleotide variant.
Coding change: c.168C>G on transcript NM_004364.5 (MANE Select); coding-DNA position 168, C replaced by G.
Protein change: p.Cys56Trp; replaces cysteine 56 with tryptophan.
Molecular consequence: missense variant. On other transcripts: 5 prime UTR variant (1).
Genome position (GRCh38, 1-based): chr19:33,302,247, G>C on the plus strand (C>G on the coding strand, the complement: CEBPA is on the minus strand). VCF-style: chr19-33302247-G-C. GRCh37 (hg19) VCF-style: chr19-33793153-G-C.
Other names: c.-190C>G (NM_001285829.2); c.273C>G, p.Cys91Trp (NM_001287424.2); c.126C>G, p.Cys42Trp (NM_001287435.2); short protein forms C91W, C42W, C56W.
Identifiers: ClinVar variation 3831238 (VCV003831238.1).

ClinVar aggregate classification (germline): Uncertain significance (1 of 4 stars; one submission).

Conditions:
Inborn genetic diseases. Identifiers: MedGen C0950123, MeSH D030342.

Submission:

Ambry Genetics
Classification: Uncertain significance for Inborn genetic diseases. Last evaluated: 2025-03-02. Review status: criteria provided, single submitter. Criteria: Ambry Variant Classification Scheme 2023. Collection method: clinical testing. Allele origin: germline.
Comment: The p.C56W variant (also known as c.168C>G), located in coding exon 1 of the CEBPA gene, results from a C to G substitution at nucleotide position 168. The cysteine at codon 56 is replaced by tryptophan, an amino acid with highly dissimilar properties. This amino acid position is conserved. In addition, the in silico prediction for this alteration is inconclusive. Based on the available evidence, the clinical significance of this variant remains unclear.